The following is an entry in ClinVar:

NM_001130082.3(PLXNB1):c.2556G>A (p.Ala852=)

Gene: PLXNB1 (plexin B1; minus strand). Cytogenetic location: 3p21.31.
Variant type: single nucleotide variant.
Coding change: c.2556G>A on transcript NM_001130082.3 (MANE Select); coding-DNA position 2556, G replaced by A.
Protein change: p.Ala852=; no amino-acid change (alanine 852 retained).
Molecular consequence: synonymous variant.
Genome position (GRCh38, 1-based): chr3:48,419,730, C>T on the plus strand (G>A on the coding strand, the complement: PLXNB1 is on the minus strand). VCF-style: chr3-48419730-C-T. GRCh37 (hg19) VCF-style: chr3-48461139-C-T.
Other names: c.2556G>A, p.Ala852= (NM_002673.6).
Identifiers: ClinVar variation 722456 (VCV000722456.5), dbSNP rs150371746, ClinGen allele CA2374795.

ClinVar aggregate classification (germline): Likely benign. Review status: criteria provided, single submitter (1 of 4 stars). 2 submissions from 2 submitters: Likely benign (1). 1 of the submissions does not count toward it. Last evaluated 2018-04-10.

Conditions:
PLXNB1-related disorder. Also called: PLXNB1-related condition.

Allele frequency attached by ClinVar (database versions not stated): 1000 Genomes Project 30x 0.00094; ExAC 0.00137; ESP Exome Variant Server 0.00108; gnomAD 0.00108 and 0.00114; TOPMed 0.00128; 1000 Genomes Project 0.00060; gnomAD exomes 0.00130.
gnomAD v4.1: 1,224 of 1,611,078 alleles (0.076%); highest among the groups gnomAD compares: Middle Eastern, 0.22%; 4 homozygotes.

Submissions (2):

Labcorp Genetics (formerly Invitae), Labcorp
Classification: Likely benign. Last evaluated: 2018-04-10. Review status: criteria provided, single submitter. Criteria: Invitae Variant Classification Sherloc (09022015). Collection method: clinical testing. Allele origin: germline.

PreventionGenetics, part of Exact Sciences
Classification: Benign for PLXNB1-related condition. Last evaluated: 2020-01-06. Review status: no assertion criteria provided. Collection method: clinical testing. Allele origin: germline. Not counted in ClinVar's aggregate classification.
Comment: This variant is classified as benign based on ACMG/AMP sequence variant interpretation guidelines (Richards et al. 2015 PMID: 25741868, with internal and published modifications).